The following is an entry in ClinVar:

NM_004836.7(EIF2AK3):c.3268_3271del (p.Gln1090fs)

Genes: EIF2AK3 (eukaryotic translation initiation factor 2 alpha kinase 3; minus strand), EIF2AK3-AS1 (EIF2AK3 antisense RNA 1; plus strand). Cytogenetic location: 2p11.2.
Variant type: Microsatellite.
Coding change: c.3268_3271del on transcript NM_004836.7 (MANE Select); coding-DNA positions 3268 to 3271, 4 bases deleted (CAGA; older notation c.3268_3271delCAGA).
Protein change: p.Gln1090fs; shifts the reading frame from glutamine 1090.
Molecular consequence: frameshift variant.
Genome position (GRCh38, 1-based): chr2:88,557,816-88,557,819, TCTG deleted on the plus strand (CAGA on the coding strand, the reverse complement: EIF2AK3 is on the minus strand); deleting any 4 consecutive bases within chr2:88,557,816-88,557,823 gives the same sequence; the c. name uses the placement nearest the transcript's 3' end. VCF-style (leftmost placement, unchanged base first): chr2-88557815-CTCTG-C. GRCh37 (hg19) VCF-style: chr2-88857333-CTCTG-C.
Other names: c.2815_2818del, p.Gln939fs (NM_001313915.2); short protein forms Q1090fs, Q939fs.
Identifiers: ClinVar variation 4760966 (VCV004760966.1).
Genomic context (GRCh38, chr2:88,557,815, plus strand): 5'-CTATGGGAGTTGTTGGACTGTCTTGAATGTTTTGTTCCCGATGAACTCAAGGAGCGAGAC[CTCTG>C]TCTGAGCACTGTTTTTCCTGGAAAGTCCAAGTCCTCAAATACAGCATTTTCAATGATGTT-3'

ClinVar aggregate classification (germline): Uncertain significance (1 of 4 stars; one submission).

Submission:

Labcorp Genetics (formerly Invitae), Labcorp
Classification: Uncertain significance. Last evaluated: 2025-11-27. Review status: criteria provided, single submitter. Criteria: Invitae Variant Classification Sherloc (09022015). Collection method: clinical testing. Allele origin: germline.
Comment: This sequence change creates a premature translational stop signal (p.Gln1090Glyfs*5) in the EIF2AK3 gene. While this is not anticipated to result in nonsense mediated decay, it is expected to disrupt the last 27 amino acid(s) of the EIF2AK3 protein. This variant is present in population databases (rs779142799, gnomAD 0.01%). This variant has not been reported in the literature in individuals affected with EIF2AK3-related conditions. Experimental studies and prediction algorithms are not available or were not evaluated, and the functional significance of this variant is currently unknown. In summary, the available evidence is currently insufficient to determine the role of this variant in disease. Therefore, it has been classified as a Variant of Uncertain Significance.